The following is an entry in ClinVar:

NM_001042750.2(STAG2):c.1342A>G (p.Met448Val)

Gene: STAG2 (STAG2 cohesin complex component; plus strand). Cytogenetic location: Xq25.
Variant type: single nucleotide variant.
Coding change: c.1342A>G on transcript NM_001042750.2 (MANE Select); coding-DNA position 1342, A replaced by G.
Protein change: p.Met448Val; replaces methionine 448 with valine.
Molecular consequence: missense variant.
Genome position (GRCh38, 1-based): chrX:124,057,903, A>G. VCF-style: chrX-124057903-A-G. GRCh37 (hg19) VCF-style: chrX-123191753-A-G.
Other names: c.1342A>G, p.Met448Val (NM_001042749.2, NM_001042751.2, NM_001282418.2 and 13 more transcripts); short protein forms M448V.
Identifiers: ClinVar variation 1924597 (VCV001924597.5), dbSNP rs146439650, ClinGen allele CA10508770.

ClinVar aggregate classification (germline): Uncertain significance (1 of 4 stars; one submission).

Allele frequency attached by ClinVar (database versions not stated): gnomAD exomes below 0.00001; ExAC 0.00001; gnomAD 0.00002; TOPMed 0.00004; ESP Exome Variant Server 0.00009.
gnomAD v4.1: 3 of 1,190,716 alleles (0.00025%); highest among the groups gnomAD compares: African/African-American, 0.0036%; no homozygotes.

Submission:

Labcorp Genetics (formerly Invitae), Labcorp
Classification: Uncertain significance. Last evaluated: 2024-05-16. Review status: criteria provided, single submitter. Criteria: Invitae Variant Classification Sherloc (09022015). Collection method: clinical testing. Allele origin: germline.
Comment: This sequence change replaces methionine, which is neutral and non-polar, with valine, which is neutral and non-polar, at codon 448 of the STAG2 protein (p.Met448Val). The frequency data for this variant in the population databases is considered unreliable, as metrics indicate poor data quality at this position in the gnomAD database. This variant has not been reported in the literature in individuals affected with STAG2-related conditions. ClinVar contains an entry for this variant (Variation ID: 1924597). Advanced modeling of protein sequence and biophysical properties (such as structural, functional, and spatial information, amino acid conservation, physicochemical variation, residue mobility, and thermodynamic stability) performed at Invitae indicates that this missense variant is not expected to disrupt STAG2 protein function with a negative predictive value of 80%. In summary, the available evidence is currently insufficient to determine the role of this variant in disease. Therefore, it has been classified as a Variant of Uncertain Significance.